The following is an entry in ClinVar:

NM_001715.3(BLK):c.*338T>G

Gene: BLK (BLK proto-oncogene, Src family tyrosine kinase). Cytogenetic location: 8p23.1.
Variant type: single nucleotide variant.
Coding change: c.*338T>G on transcript NM_001715.3 (MANE Select); 338 bases downstream of the stop codon, T replaced by G.
Molecular consequence: 3 prime UTR variant.
Genome position (GRCh38, 1-based): chr8:11,564,446, T>G. VCF-style: chr8-11564446-T-G. GRCh37 (hg19) VCF-style: chr8-11421955-T-G.
Other names: BLK, CHR8:11,459,364, T-G; c.*338T>G (NM_001330465.2).
Identifiers: ClinVar variation 12320 (VCV000012320.7), dbSNP rs1042695, ClinGen allele CA4630559.

ClinVar aggregate classification (germline): Conflicting classifications of pathogenicity. Review status: criteria provided, conflicting classifications (1 of 4 stars). 3 submissions from 3 submitters: Uncertain significance (1); Benign (1). 1 of the submissions does not count toward it. Last evaluated 2022-05-04.

Conditions:
Maturity-onset diabetes of the young type 11. Identifiers: Orphanet 552, MedGen C3150618, MONDO:0013242, OMIM 613375.

Allele frequency attached by ClinVar (database versions not stated): 1000 Genomes Project 30x 0.00328; 1000 Genomes Project 0.00399; gnomAD 0.00399 and 0.00411; TOPMed 0.00436; gnomAD exomes 0.00586 and 0.00636; ExAC 0.01147.
gnomAD v4.1: 3,050 of 562,732 alleles (0.54%); highest among the groups gnomAD compares: Middle Eastern, 1.4%; 21 homozygotes.

Submissions (3):

Mendelics
Classification: Uncertain significance. Last evaluated: 2022-05-04. Review status: criteria provided, single submitter. Criteria: Mendelics Assertion Criteria 2019. Collection method: clinical testing. Allele origin: germline.

Illumina Laboratory Services, Illumina
Classification: Benign for Maturity-onset diabetes of the young type 11. Last evaluated: 2018-01-13. Review status: criteria provided, single submitter. Criteria: ICSL Variant Classification Criteria 13 December 2019. Collection method: clinical testing. Allele origin: germline.
Comment: This variant was observed in the ICSL laboratory as part of a predisposition screen in an ostensibly healthy population. It had not been previously curated by ICSL or reported in the Human Gene Mutation Database (HGMD: prior to June 1st, 2018), and was therefore a candidate for classification through an automated scoring system. Utilizing variant allele frequency, disease prevalence and penetrance estimates, and inheritance mode, an automated score was calculated to assess if this variant is too frequent to cause the disease. Based on the score and internal cut-off values, a variant classified as benign is not then subjected to further curation. The score for this variant resulted in a classification of benign for this disease.

OMIM
Classification: Pathogenic for MATURITY-ONSET DIABETES OF THE YOUNG, TYPE 11. Last evaluated: 2009-08-25. Review status: no assertion criteria provided. Collection method: literature only. Allele origin: germline. Not counted in ClinVar's aggregate classification.

Literature cited by the submitters: PubMed 19667185 (cited by OMIM).